The following is an entry in ClinVar:

ClinVar aggregate classification (germline): Uncertain significance (1 of 4 stars; one submission).

Allele frequency attached by ClinVar (database versions not stated): gnomAD exomes below 0.00001; ExAC 0.00001; gnomAD 0.00001.
gnomAD v4.1: 2 of 1,611,392 alleles (0.00012%); highest among the groups gnomAD compares: Non-Finnish European, 0.00017%; no homozygotes.

Submission:

GeneDx
Classification: Uncertain significance. Last evaluated: 2020-02-07. Review status: criteria provided, single submitter. Criteria: GeneDx Variant Classification Process June 2021. Collection method: clinical testing. Allele origin: germline. Affected: yes.
Comment: Not observed in large population cohorts (Lek et al., 2016); In silico analysis supports that this missense variant has a deleterious effect on protein structure/function

NM_032119.4(ADGRV1):c.11519A>T (p.Glu3840Val)

Gene: ADGRV1 (adhesion G protein-coupled receptor V1; plus strand). Cytogenetic location: 5q14.3.
Variant type: single nucleotide variant.
Coding change: c.11519A>T on transcript NM_032119.4 (MANE Select); coding-DNA position 11519, A replaced by T.
Protein change: p.Glu3840Val; replaces glutamic acid 3840 with valine.
Molecular consequence: missense variant. On other transcripts: non-coding transcript variant (1).
Genome position (GRCh38, 1-based): chr5:90,755,124, A>T. VCF-style: chr5-90755124-A-T. GRCh37 (hg19) VCF-style: chr5-90050941-A-T.
Other names: short protein forms E3840V.
Identifiers: ClinVar variation 1316081 (VCV001316081.2), dbSNP rs780647523, ClinGen allele CA3340983.